The following is an entry in ClinVar:

NM_000969.5(RPL5):c.157_169dup (p.Asn57fs)

Genes: DIPK1A (divergent protein kinase domain 1A; minus strand), RPL5 (ribosomal protein L5; plus strand). Cytogenetic location: 1p22.1.
Variant type: Duplication.
Coding change: c.157_169dup on transcript NM_000969.5 (MANE Select); coding-DNA positions 157 to 169, 13 bases duplicated (GTTCGTGTGACAA).
Protein change: p.Asn57fs; shifts the reading frame from asparagine 57.
Molecular consequence: frameshift variant. On other transcripts: non-coding transcript variant (1), intron variant (1).
Genome position (GRCh38, 1-based): chr1:92,833,628-92,833,640, GTTCGTGTGACAA duplicated; duplicating any 13 consecutive bases within chr1:92,833,627-92,833,640 gives the same sequence; the c. name uses the placement nearest the transcript's 3' end. VCF-style (leftmost placement, unchanged base first): chr1-92833626-T-TAGTTCGTGTGACA. GRCh37 (hg19) VCF-style: chr1-93299183-T-TAGTTCGTGTGACA.
Other names: c.475-605_475-593dup (NM_001252273.2); short protein forms N57fs.
Identifiers: ClinVar variation 649954 (VCV000649954.8), dbSNP rs1571024385, ClinGen allele CA915941315.
Genomic context (GRCh38, chr1:92,833,626, plus strand): 5'-CTCGGAAACGCTTGGTGATACAAGATAAAAATAAATACAACACACCCAAATACAGGATGA[T>TAGTTCGTGTGACA]AGTTCGTGTGACAAACAGAGATATCATTTGTCAGGTAAGTTGTATTCTAGACAGTCCCCT-3'

ClinVar aggregate classification (germline): Pathogenic (1 of 4 stars; one submission).

Conditions:
Diamond-Blackfan anemia. Also called: Blackfan Diamond syndrome; Aregenerative anemia chronic congenital; Red cell aplasia, pure hereditary; Congenital hypoplastic anemia; Aase syndrome. Identifiers: Orphanet 124, MedGen C1260899, MeSH D029503, MONDO:0015253, HP:0004810.

Submission:

Labcorp Genetics (formerly Invitae), Labcorp
Classification: Pathogenic for Diamond-Blackfan anemia. Last evaluated: 2018-09-21. Review status: criteria provided, single submitter. Criteria: Invitae Variant Classification Sherloc (09022015). Collection method: clinical testing. Allele origin: germline.
Comment: For these reasons, this variant has been classified as Pathogenic. Loss-of-function variants in RPL5 are known to be pathogenic (PMID: 19061985, 19773262). This variant has not been reported in the literature in individuals with RPL5-related disease. This variant is not present in population databases (ExAC no frequency). This sequence change creates a premature translational stop signal (p.Asn57Serfs*60) in the RPL5 gene. It is expected to result in an absent or disrupted protein product.

Literature cited by the submitters: PubMed 19061985; PubMed 19773262.